The following is an entry in ClinVar:

NM_153366.4(SVEP1):c.483C>G (p.Ser161=)

Gene: SVEP1 (sushi, von Willebrand factor type A, EGF and pentraxin domain containing 1; minus strand). Cytogenetic location: 9q31.3.
Variant type: single nucleotide variant.
Coding change: c.483C>G on transcript NM_153366.4 (MANE Select); coding-DNA position 483, C replaced by G.
Protein change: p.Ser161=; no amino-acid change (serine 161 retained).
Molecular consequence: synonymous variant.
Genome position (GRCh38, 1-based): chr9:110,579,061, G>C on the plus strand (C>G on the coding strand, the complement: SVEP1 is on the minus strand). VCF-style: chr9-110579061-G-C. GRCh37 (hg19) VCF-style: chr9-113341341-G-C.
Identifiers: ClinVar variation 2659422 (VCV002659422.24), dbSNP rs376244284, ClinGen allele CA5183807.

ClinVar aggregate classification (germline): Likely benign (1 of 4 stars; one submission).

Allele frequency attached by ClinVar (database versions not stated): 1000 Genomes Project 30x 0.00031; 1000 Genomes Project 0.00040; ESP Exome Variant Server 0.00044; gnomAD 0.00073; gnomAD exomes 0.00078; TOPMed 0.00091; ExAC 0.00258.
gnomAD v4.1: 1,236 of 1,550,530 alleles (0.08%); highest among the groups gnomAD compares: Admixed American, 0.15%; 2 homozygotes.

Submission:

CeGaT Center for Human Genetics Tuebingen
Classification: Likely benign. Last evaluated: 2023-08-01. Review status: criteria provided, single submitter. Criteria: CeGaT Center For Human Genetics Tuebingen Variant Classification Criteria Version 2. Collection method: clinical testing. Allele origin: germline. Affected: yes. Observed: 1 variant allele.
Comment: SVEP1: BP4, BP7, BS2